The following is an entry in ClinVar:

ClinVar aggregate classification (germline): Uncertain significance. Review status: criteria provided, multiple submitters, no conflicts (2 of 4 stars). 2 submissions from 2 submitters: Uncertain significance (2). Last evaluated 2025-06-11.

Conditions:
Hereditary cancer-predisposing syndrome. Also called: Neoplastic Syndromes, Hereditary; Hereditary Cancer Syndrome; Hereditary neoplastic syndrome; Tumor predisposition. Identifiers: Orphanet 140162, MedGen C0027672, MeSH D009386, MONDO:0015356.

Submissions (2):

Quest Diagnostics Nichols Institute San Juan Capistrano
Classification: Uncertain significance. Last evaluated: 2025-06-11. Review status: criteria provided, single submitter. Criteria: Quest Diagnostics criteria. Collection method: clinical testing. Allele origin: unknown.
Comment: The RAD50 c.3673T>G (p.Cys1225Gly) variant has not been reported in individuals with RAD50-related conditions in the published literature. It also has not been reported in large, multi-ethnic general populations (Genome Aggregation Database). Analysis of this variant using bioinformatics tools for the prediction of the effect of amino acid changes on protein structure and function yielded conflicting predictions that this variant is benign or damaging. Based on the available information, we are unable to determine the clinical significance of this variant.

Ambry Genetics
Classification: Uncertain significance for Hereditary cancer-predisposing syndrome. Last evaluated: 2023-05-06. Review status: criteria provided, single submitter. Criteria: Ambry Variant Classification Scheme 2023. Collection method: clinical testing. Allele origin: germline.
Comment: The p.C1225G variant (also known as c.3673T>G), located in coding exon 24 of the RAD50 gene, results from a T to G substitution at nucleotide position 3673. The cysteine at codon 1225 is replaced by glycine, an amino acid with highly dissimilar properties. This amino acid position is conserved. In addition, this alteration is predicted to be deleterious by in silico analysis. Since supporting evidence is limited at this time, the clinical significance of this alteration remains unclear.

NM_005732.4(RAD50):c.3673T>G (p.Cys1225Gly)

Genes: RAD50 (RAD50 double strand break repair protein; plus strand), TH2-LCR (Th2 cytokine locus control region; plus strand), TH2LCRR (T helper type 2 locus control region associated RNA; minus strand). Cytogenetic location: 5q31.1.
Variant type: single nucleotide variant.
Coding change: c.3673T>G on transcript NM_005732.4 (MANE Select); coding-DNA position 3673, T replaced by G.
Protein change: p.Cys1225Gly; replaces cysteine 1225 with glycine.
Molecular consequence: missense variant.
Genome position (GRCh38, 1-based): chr5:132,640,726, T>G. VCF-style: chr5-132640726-T-G. GRCh37 (hg19) VCF-style: chr5-131976418-T-G.
Other names: short protein forms C1225G.
Identifiers: ClinVar variation 2565944 (VCV002565944.3), dbSNP rs2149865658, ClinGen allele CA360934140.
Genomic context (GRCh38, chr5:132,640,726, plus strand): 5'-TTCCAGGTATTAGCCTCACTCATCATTCGCCTGGCCCTGGCTGAAACGTTCTGCCTCAAC[T>G]GTGGCATCATTGCCTTGGATGAGCCAACAACAAATCTTGACCGAGAAAACATTGAATCTC-3'
Protein context (NP_005723.2, residues 1215-1235): LALAETFCLN[Cys1225Gly]GIIALDEPTT